The following is an entry in ClinVar:

NM_004588.5(SCN2B):c.451C>A (p.Pro151Thr)

Gene: SCN2B (sodium voltage-gated channel beta subunit 2; minus strand). Cytogenetic location: 11q23.3.
Variant type: single nucleotide variant.
Coding change: c.451C>A on transcript NM_004588.5 (MANE Select); coding-DNA position 451, C replaced by A.
Protein change: p.Pro151Thr; replaces proline 151 with threonine.
Molecular consequence: missense variant.
Genome position (GRCh38, 1-based): chr11:118,167,084, G>T on the plus strand (C>A on the coding strand, the complement: SCN2B is on the minus strand). VCF-style: chr11-118167084-G-T. GRCh37 (hg19) VCF-style: chr11-118037799-G-T.
Other names: short protein forms P151T.
Identifiers: ClinVar variation 3614664 (VCV003614664.2).

ClinVar aggregate classification (germline): Uncertain significance (1 of 4 stars; one submission).

Conditions:
Atrial fibrillation, familial, 14 (ATFB14). Identifiers: MedGen C3809312, MONDO:0014156, OMIM 615378.

gnomAD v4.1: 2 of 1,611,246 alleles (0.00012%); highest among the groups gnomAD compares: South Asian, 0.0011%; no homozygotes.

Submission:

Labcorp Genetics (formerly Invitae), Labcorp
Classification: Uncertain significance for Atrial fibrillation, familial, 14. Last evaluated: 2024-12-10. Review status: criteria provided, single submitter. Criteria: Invitae Variant Classification Sherloc (09022015). Collection method: clinical testing. Allele origin: germline.
Comment: This sequence change replaces proline, which is neutral and non-polar, with threonine, which is neutral and polar, at codon 151 of the SCN2B protein (p.Pro151Thr). This variant is not present in population databases (gnomAD no frequency). This variant has not been reported in the literature in individuals affected with SCN2B-related conditions. An algorithm developed to predict the effect of missense changes on protein structure and function (PolyPhen-2) suggests that this variant is likely to be tolerated. In summary, the available evidence is currently insufficient to determine the role of this variant in disease. Therefore, it has been classified as a Variant of Uncertain Significance.